The following is an entry in ClinVar:

ClinVar aggregate classification (germline): Likely benign. Review status: criteria provided, multiple submitters, no conflicts (2 of 4 stars). 3 submissions from 3 submitters: Likely benign (2). 1 of the submissions does not count toward it. Last evaluated 2018-06-05.

Conditions:
SRGAP3-related disorder. Also called: SRGAP3-related condition.

Allele frequency attached by ClinVar (database versions not stated): gnomAD exomes 0.00021 and 0.00041; ExAC 0.00052; 1000 Genomes Project 0.00140; ESP Exome Variant Server 0.00146; gnomAD 0.00187 and 0.00205; TOPMed 0.00218; 1000 Genomes Project 30x 0.00219.
gnomAD v4.1: 598 of 1,614,192 alleles (0.037%); highest among the groups gnomAD compares: African/African-American, 0.62%; 4 homozygotes.

Submissions (3):

Labcorp Genetics (formerly Invitae), Labcorp
Classification: Likely benign. Last evaluated: 2018-06-05. Review status: criteria provided, single submitter. Criteria: Invitae Variant Classification Sherloc (09022015). Collection method: clinical testing. Allele origin: germline.

Breakthrough Genomics
Classification: Likely benign. Review status: criteria provided, single submitter. Criteria: ACMG Guidelines, 2015. Collection method: not provided. Allele origin: germline. Inheritance: Unknown mechanism. Affected: yes.

PreventionGenetics, part of Exact Sciences
Classification: Likely benign for SRGAP3-related condition. Last evaluated: 2019-11-16. Review status: no assertion criteria provided. Collection method: clinical testing. Allele origin: germline. Not counted in ClinVar's aggregate classification.
Comment: This variant is classified as likely benign based on ACMG/AMP sequence variant interpretation guidelines (Richards et al. 2015 PMID: 25741868, with internal and published modifications).

NM_014850.4(SRGAP3):c.971A>T (p.Gln324Leu)

Gene: SRGAP3 (SLIT-ROBO Rho GTPase activating protein 3; minus strand). Cytogenetic location: 3p25.3.
Variant type: single nucleotide variant.
Coding change: c.971A>T on transcript NM_014850.4 (MANE Select); coding-DNA position 971, A replaced by T.
Protein change: p.Gln324Leu; replaces glutamine 324 with leucine.
Molecular consequence: missense variant.
Genome position (GRCh38, 1-based): chr3:9,058,303, T>A on the plus strand (A>T on the coding strand, the complement: SRGAP3 is on the minus strand). VCF-style: chr3-9058303-T-A. GRCh37 (hg19) VCF-style: chr3-9099987-T-A.
Other names: c.971A>T, p.Gln324Leu (NM_001033117.3); short protein forms Q324L.
Identifiers: ClinVar variation 720298 (VCV000720298.6), dbSNP rs112559195, ClinGen allele CA2237996.
Genomic context (GRCh38, chr3:9,058,303, plus strand): 5'-AAGCCTACCTCATCCCCCATGTGGGGCTGGAACTCGAACTTGAGTGGAGGGCAGAAGACT[T>A]GATTGCACATGTCCATGACTGTGTGCTTGTCACTTCGGGAATCCAGGTTGTCCACTGCAT-3'
Protein context (NP_055665.1, residues 314-334): DKHTVMDMCN[Gln324Leu]VFCPPLKFEF